The following is an entry in ClinVar:

ClinVar aggregate classification (germline): Uncertain significance (1 of 4 stars; one submission).

Conditions:
Emery-Dreifuss muscular dystrophy 5, autosomal dominant (EDMD5). Also called: EMERY-DREIFUSS MUSCULAR DYSTROPHY 5. Identifiers: Orphanet 261, MedGen C2751805, MONDO:0013072, OMIM 612999.

Allele frequency attached by ClinVar (database versions not stated): gnomAD exomes below 0.00001; TOPMed below 0.00001; gnomAD 0.00001.
gnomAD v4.1: 2 of 1,611,454 alleles (0.00012%); highest among the groups gnomAD compares: South Asian, 0.0011%; no homozygotes.

Submission:

Labcorp Genetics (formerly Invitae), Labcorp
Classification: Uncertain significance for Emery-Dreifuss muscular dystrophy 5, autosomal dominant. Last evaluated: 2023-05-27. Review status: criteria provided, single submitter. Criteria: Invitae Variant Classification Sherloc (09022015). Collection method: clinical testing. Allele origin: germline.
Comment: In summary, the available evidence is currently insufficient to determine the role of this variant in disease. Therefore, it has been classified as a Variant of Uncertain Significance. Algorithms developed to predict the effect of missense changes on protein structure and function output the following: SIFT: "Not Available"; PolyPhen-2: "Benign"; Align-GVGD: "Not Available". The serine amino acid residue is found in multiple mammalian species, which suggests that this missense change does not adversely affect protein function. This variant has not been reported in the literature in individuals affected with SYNE2-related conditions. This variant is not present in population databases (gnomAD no frequency). This sequence change replaces asparagine, which is neutral and polar, with serine, which is neutral and polar, at codon 4635 of the SYNE2 protein (p.Asn4635Ser).

NM_182914.3(SYNE2):c.13904A>G (p.Asn4635Ser)

Gene: SYNE2 (spectrin repeat containing nuclear envelope protein 2; plus strand). Cytogenetic location: 14q23.2.
Variant type: single nucleotide variant.
Coding change: c.13904A>G on transcript NM_182914.3 (MANE Select); coding-DNA position 13904, A replaced by G.
Protein change: p.Asn4635Ser; replaces asparagine 4635 with serine.
Molecular consequence: missense variant.
Genome position (GRCh38, 1-based): chr14:64,126,794, A>G. VCF-style: chr14-64126794-A-G. GRCh37 (hg19) VCF-style: chr14-64593512-A-G.
Other names: c.13904A>G, p.Asn4635Ser (NM_015180.6); short protein forms N4635S.
Identifiers: ClinVar variation 2740226 (VCV002740226.3), dbSNP rs1405252352, ClinGen allele CA389973276.